The following is an entry in ClinVar:

ClinVar aggregate classification (germline): Benign/Likely benign. Review status: criteria provided, multiple submitters, no conflicts (2 of 4 stars). 6 submissions from 6 submitters: Benign (4); Likely benign (1). 1 of the submissions does not count toward it. Last evaluated 2026-02-03.

Conditions:
RNF168-related disorder. Also called: RNF168-related condition.
RIDDLE syndrome. Identifiers: Orphanet 420741, MedGen C2677792, MONDO:0012764, OMIM 611943.

Allele frequency attached by ClinVar (database versions not stated): gnomAD exomes 0.00042 and 0.00089; ExAC 0.00101; 1000 Genomes Project 30x 0.00250; 1000 Genomes Project 0.00280; ESP Exome Variant Server 0.00323; gnomAD 0.00373 and 0.00395; TOPMed 0.00392.
gnomAD v4.1: 1,210 of 1,613,790 alleles (0.075%); highest among the groups gnomAD compares: African/African-American, 1.3%; 12 homozygotes.

Submissions (6):

Labcorp Genetics (formerly Invitae), Labcorp
Classification: Benign. Last evaluated: 2026-02-03. Review status: criteria provided, single submitter. Criteria: Invitae Variant Classification Sherloc (09022015). Collection method: clinical testing. Allele origin: germline.

CeGaT Center for Human Genetics Tuebingen
Classification: Likely benign. Last evaluated: 2026-02-01. Review status: criteria provided, single submitter. Criteria: CeGaT Center For Human Genetics Tuebingen Variant Classification Criteria Version 2. Collection method: clinical testing. Allele origin: germline. Affected: yes. Observed: 1 variant allele.
Comment: RNF168: BP4, BS1

KCCC/NGS Laboratory, Kuwait Cancer Control Center
Classification: Benign for RIDDLE syndrome. Last evaluated: 2023-07-07. Review status: criteria provided, single submitter. Criteria: ACMG Guidelines, 2015. Collection method: clinical testing. Allele origin: germline. Affected: yes.

Eurofins Ntd Llc (ga)
Classification: Benign. Last evaluated: 2015-10-23. Review status: criteria provided, single submitter. Criteria: EGL Classification Definitions 2015. Collection method: clinical testing. Allele origin: germline. Observed: 3 variant alleles, 3 heterozygotes.

Breakthrough Genomics
Classification: Benign. Review status: criteria provided, single submitter. Criteria: ACMG Guidelines, 2015. Collection method: not provided. Allele origin: germline. Inheritance: Autosomal recessive inheritance. Affected: yes.

PreventionGenetics, part of Exact Sciences
Classification: Benign for RNF168-related condition. Last evaluated: 2024-01-04. Review status: no assertion criteria provided. Collection method: clinical testing. Allele origin: germline. Not counted in ClinVar's aggregate classification.
Comment: This variant is classified as benign based on ACMG/AMP sequence variant interpretation guidelines (Richards et al. 2015 PMID: 25741868, with internal and published modifications).

NM_152617.4(RNF168):c.1237G>A (p.Glu413Lys)

Gene: RNF168 (ring finger protein 168; minus strand). Cytogenetic location: 3q29.
Variant type: single nucleotide variant.
Coding change: c.1237G>A on transcript NM_152617.4 (MANE Select); coding-DNA position 1237, G replaced by A.
Protein change: p.Glu413Lys; replaces glutamic acid 413 with lysine.
Molecular consequence: missense variant.
Genome position (GRCh38, 1-based): chr3:196,472,298, C>T on the plus strand (G>A on the coding strand, the complement: RNF168 is on the minus strand). VCF-style: chr3-196472298-C-T. GRCh37 (hg19) VCF-style: chr3-196199169-C-T.
Other names: short protein forms E413K.
Identifiers: ClinVar variation 284163 (VCV000284163.22), dbSNP rs6790173, ClinGen allele CA2780692.
Genomic context (GRCh38, chr3:196,472,298, plus strand): 5'-CCAAATCTATCAGTTTTTGGGTAAAGTTTATTTCTGTTTCCTCTTGATCTGGGGAAGATT[C>T]GGGGGACACTTTTCTTCTTTTTGCAGAAAAGCATGGATCCTTGACTGCTTCAAAGGAAGA-3'
Protein context (NP_689830.2, residues 403-423): FSAKRRKVSP[Glu413Lys]SSPDQEETEI